The following is an entry in ClinVar:

NM_018943.3(TUBA8):c.1181A>G (p.Lys394Arg)

Gene: TUBA8 (tubulin alpha 8; plus strand). Cytogenetic location: 22q11.21.
Variant type: single nucleotide variant.
Coding change: c.1181A>G on transcript NM_018943.3 (MANE Select); coding-DNA position 1181, A replaced by G.
Protein change: p.Lys394Arg; replaces lysine 394 with arginine.
Molecular consequence: missense variant.
Genome position (GRCh38, 1-based): chr22:18,130,967, A>G. VCF-style: chr22-18130967-A-G. GRCh37 (hg19) VCF-style: chr22-18613734-A-G.
Other names: c.983A>G, p.Lys328Arg (NM_001193414.2); short protein forms K328R, K394R.
Identifiers: ClinVar variation 3464332 (VCV003464332.3).
Genomic context (GRCh38, chr22:18,130,967, plus strand): 5'-CCGTCTGCATGCTCAGCAACACCACGGCCATTGCGGAGGCCTGGGCCCGCCTCGACCACA[A>G]GTTCGACCTCATGTACGCCAAGCGGGCCTTTGTGCATTGGTATGTGGGAGAGGGGATGGA-3'
Protein context (NP_061816.1, residues 384-404): IAEAWARLDH[Lys394Arg]FDLMYAKRAF

ClinVar aggregate classification (germline): Uncertain significance. Review status: criteria provided, multiple submitters, no conflicts (2 of 4 stars). 2 submissions from 2 submitters: Uncertain significance (2). Last evaluated 2025-01-15.

gnomAD v4.1: 7 of 1,614,142 alleles (0.00043%); highest among the groups gnomAD compares: Non-Finnish European, 0.00042%; no homozygotes.

Submissions (2):

Labcorp Genetics (formerly Invitae), Labcorp
Classification: Uncertain significance. Last evaluated: 2025-01-15. Review status: criteria provided, single submitter. Criteria: Invitae Variant Classification Sherloc (09022015). Collection method: clinical testing. Allele origin: germline.
Comment: This sequence change replaces lysine, which is basic and polar, with arginine, which is basic and polar, at codon 394 of the TUBA8 protein (p.Lys394Arg). This variant is present in population databases (rs747184376, gnomAD 0.002%). This variant has not been reported in the literature in individuals affected with TUBA8-related conditions. Invitae Evidence Modeling of protein sequence and biophysical properties (such as structural, functional, and spatial information, amino acid conservation, physicochemical variation, residue mobility, and thermodynamic stability) indicates that this missense variant is expected to disrupt TUBA8 protein function with a positive predictive value of 80%. Algorithms developed to predict the effect of sequence changes on RNA splicing suggest that this variant may create or strengthen a splice site. In summary, the available evidence is currently insufficient to determine the role of this variant in disease. Therefore, it has been classified as a Variant of Uncertain Significance.

Ambry Genetics
Classification: Uncertain significance. Last evaluated: 2024-11-11. Review status: criteria provided, single submitter. Criteria: Ambry Variant Classification Scheme 2023. Collection method: clinical testing. Allele origin: germline.